The following is an entry in ClinVar:

ClinVar aggregate classification (germline): Pathogenic (1 of 4 stars; one submission).

Conditions:
Ullrich congenital muscular dystrophy 2 (UCMD2). Identifiers: Orphanet 75840, MedGen C4225314, MONDO:0014654, OMIM 616470.

Submission:

3billion
Classification: Pathogenic for Ullrich congenital muscular dystrophy 2. Last evaluated: 2026-01-26. Review status: criteria provided, single submitter. Criteria: ACMG Guidelines, 2015. Collection method: clinical testing. Allele origin: germline. Affected: yes.
Comment: The variant is not observed in the gnomAD v4.1.0 dataset. Predicted Consequence/Location: Canonical splice site: predicted to alter splicing and result in a loss or disruption of normal protein function. Multiple pathogenic loss-of-function variants are reported downstream of the variant. In silico tools predict the variant to alter splicing and produce an abnormal transcript [SpliceAI: 0.99 (spliceogenicity >=0.2, non-spliceogenicity <0.1)]. Therefore, this variant is classified as Pathogenic according to the recommendation of ACMG/AMP guideline.

NM_004370.6(COL12A1):c.823+1G>A

Gene: COL12A1 (collagen type XII alpha 1 chain; minus strand). Cytogenetic location: 6q13.
Variant type: single nucleotide variant.
Coding change: c.823+1G>A on transcript NM_004370.6 (MANE Select); the canonical splice donor site of the intron after coding-DNA position 823, G replaced by A.
Molecular consequence: splice donor variant. On other transcripts: intron variant (2).
Genome position (GRCh38, 1-based): chr6:75,189,216, C>T on the plus strand (G>A on the coding strand, the complement: COL12A1 is on the minus strand). VCF-style: chr6-75189216-C-T. GRCh37 (hg19) VCF-style: chr6-75898932-C-T.
Other names: c.73+13504G>A (NM_001424116.1, NM_080645.3); c.823+1G>A (NM_001424115.1, NM_001424114.1, NM_001424113.1).
Identifiers: ClinVar variation 4856258 (VCV004856258.1).